The following is an entry in ClinVar:

NM_018051.5(DYNC2I1):c.1519C>G (p.Leu507Val)

Gene: DYNC2I1 (dynein 2 intermediate chain 1; plus strand). Cytogenetic location: 7q36.3.
Variant type: single nucleotide variant.
Coding change: c.1519C>G on transcript NM_018051.5 (MANE Select); coding-DNA position 1519, C replaced by G.
Protein change: p.Leu507Val; replaces leucine 507 with valine.
Molecular consequence: missense variant.
Genome position (GRCh38, 1-based): chr7:158,911,608, C>G. VCF-style: chr7-158911608-C-G. GRCh37 (hg19) VCF-style: chr7-158704299-C-G.
Other names: c.1381C>G, p.Leu461Val (NM_001350914.2); c.946C>G, p.Leu316Val (NM_001350915.2); c.58C>G, p.Leu20Val (NM_001350916.2); c.271C>G, p.Leu91Val (NM_001350917.2, NM_001350918.2); c.1519C>G (NM_018051.4); short protein forms L20V, L316V, L461V, L507V, L91V.
Identifiers: ClinVar variation 1680680 (VCV001680680.5), dbSNP rs529737662, ClinGen allele CA4594665.
Genomic context (GRCh38, chr7:158,911,608, plus strand): 5'-AGGATGCGAAGTACAAAACTGCTTCGGCTCATTGACTTAGATTTTTCATTTACTTTCTCT[C>G]TCTTGGATCTACCACCAGTAAATGAATATGACATGTATATCAGAAACTTTGGGAAAAAAA-3'
Protein context (NP_060521.4, residues 497-517): IDLDFSFTFS[Leu507Val]LDLPPVNEYD

ClinVar aggregate classification (germline): Uncertain significance. Review status: criteria provided, multiple submitters, no conflicts (2 of 4 stars). 2 submissions from 2 submitters: Uncertain significance (2). Last evaluated 2025-08-11.

Conditions:
Short-rib thoracic dysplasia 8 with or without polydactyly (SRTD8). Also called: SHORT-RIB THORACIC DYSPLASIA 8 WITH POLYDACTYLY. Identifiers: Orphanet 93271, MedGen C3809691, MONDO:0014214, OMIM 615503.
Inborn genetic diseases. Identifiers: MedGen C0950123, MeSH D030342.

Allele frequency attached by ClinVar (database versions not stated): gnomAD exomes below 0.00001; ExAC 0.00001; TOPMed 0.00007; 1000 Genomes Project 30x 0.00016; 1000 Genomes Project 0.00020.
gnomAD v4.1: 11 of 1,613,644 alleles (0.00068%); highest among the groups gnomAD compares: Admixed American, 0.017%; no homozygotes.

Submissions (2):

Ambry Genetics
Classification: Uncertain significance for Inborn genetic diseases. Last evaluated: 2025-08-11. Review status: criteria provided, single submitter. Criteria: Ambry Variant Classification Scheme 2023. Collection method: clinical testing. Allele origin: germline.

Labcorp Genetics (formerly Invitae), Labcorp
Classification: Uncertain significance for Short-rib thoracic dysplasia 8 with or without polydactyly. Last evaluated: 2021-11-08. Review status: criteria provided, single submitter. Criteria: Invitae Variant Classification Sherloc (09022015). Collection method: clinical testing. Allele origin: germline.
Comment: This sequence change replaces leucine, which is neutral and non-polar, with valine, which is neutral and non-polar, at codon 507 of the WDR60 protein (p.Leu507Val). This variant is present in population databases (rs529737662, gnomAD 0.006%). This variant has not been reported in the literature in individuals affected with WDR60-related conditions. Algorithms developed to predict the effect of missense changes on protein structure and function are either unavailable or do not agree on the potential impact of this missense change (SIFT: "Tolerated"; PolyPhen-2: "Possibly Damaging"; Align-GVGD: "Class C0"). In summary, the available evidence is currently insufficient to determine the role of this variant in disease. Therefore, it has been classified as a Variant of Uncertain Significance.